The following is an entry in ClinVar:

NM_001127222.2(CACNA1A):c.7C>G (p.Arg3Gly)

Gene: CACNA1A (calcium voltage-gated channel subunit alpha1 A; minus strand). Cytogenetic location: 19p13.13.
Variant type: single nucleotide variant.
Coding change: c.7C>G on transcript NM_001127222.2 (MANE Select); coding-DNA position 7, C replaced by G.
Protein change: p.Arg3Gly; replaces arginine 3 with glycine.
Molecular consequence: missense variant.
Genome position (GRCh38, 1-based): chr19:13,506,218, G>C on the plus strand (C>G on the coding strand, the complement: CACNA1A is on the minus strand). VCF-style: chr19-13506218-G-C. GRCh37 (hg19) VCF-style: chr19-13617032-G-C.
Other names: c.7C>G, p.Arg3Gly (NM_000068.4, NM_001127221.2, NM_001174080.2 and 1 more transcripts); short protein forms R3G.
Identifiers: ClinVar variation 1350591 (VCV001350591.8), dbSNP rs1326606155, ClinGen allele CA404971399.

ClinVar aggregate classification (germline): Uncertain significance (1 of 4 stars; one submission).

Conditions:
Episodic ataxia type 2 (EA2). Also called: ATAXIA, EPISODIC, WITH NYSTAGMUS; ATAXIA, FAMILIAL PAROXYSMAL; CEREBELLAR ATAXIA, PAROXYSMAL, ACETAZOLAMIDE-RESPONSIVE; CEREBELLOPATHY, HEREDITARY PAROXYSMAL; EPISODIC ATAXIA, NYSTAGMUS-ASSOCIATED; ACETAZOLAMIDE-RESPONSIVE HEREDITARY PAROXYSMAL CEREBELLAR ATAXIA. Identifiers: Orphanet 97, MedGen C1720416, MONDO:0007163, OMIM 108500.
Developmental and epileptic encephalopathy, 42 (DEE42A). Also called: DEVELOPMENTAL AND EPILEPTIC ENCEPHALOPATHY 42A; EPILEPTIC ENCEPHALOPATHY, EARLY INFANTILE, 42A; Epileptic encephalopathy, early infantile, 42. Identifiers: MedGen C4310716, MONDO:0014917, OMIM 617106.

Allele frequency attached by ClinVar (database versions not stated): TOPMed 0.00001.

Submission:

Labcorp Genetics (formerly Invitae), Labcorp
Classification: Uncertain significance for Developmental and epileptic encephalopathy, 42; Episodic ataxia type 2. Last evaluated: 2024-03-26. Review status: criteria provided, single submitter. Criteria: Invitae Variant Classification Sherloc (09022015). Collection method: clinical testing. Allele origin: germline.
Comment: This sequence change replaces arginine, which is basic and polar, with glycine, which is neutral and non-polar, at codon 3 of the CACNA1A protein (p.Arg3Gly). This variant is not present in population databases (gnomAD no frequency). This variant has not been reported in the literature in individuals affected with CACNA1A-related conditions. ClinVar contains an entry for this variant (Variation ID: 1350591). Advanced modeling of protein sequence and biophysical properties (such as structural, functional, and spatial information, amino acid conservation, physicochemical variation, residue mobility, and thermodynamic stability) performed at Invitae indicates that this missense variant is expected to disrupt CACNA1A protein function with a positive predictive value of 95%. In summary, the available evidence is currently insufficient to determine the role of this variant in disease. Therefore, it has been classified as a Variant of Uncertain Significance.